The following is an entry in ClinVar:

ClinVar aggregate classification (germline): Uncertain significance (1 of 4 stars; one submission).

Submission:

Dasa
Classification: Uncertain significance. Last evaluated: 2024-07-03. Review status: criteria provided, single submitter. Criteria: DASA Assertion Criteria. Collection method: clinical testing. Allele origin: germline.
Comment: NM_020066.5(FMN2):c.3071C>G (p.Pro1024Arg) is a missense variant that results in the substitution of proline with arginine. This variant is rare in population databases. Computational prediction algorithms are consistent with a benign effect. The currently available literature and clinical evidence are not sufficient to establish a definitive association between this variant and the reported condition. Therefore, this variant is classified as a variant of uncertain significance.

NM_020066.5(FMN2):c.3071C>G (p.Pro1024Arg)

Gene: FMN2 (formin 2; plus strand). Cytogenetic location: 1q43.
Variant type: single nucleotide variant.
Coding change: c.3071C>G on transcript NM_020066.5 (MANE Select); coding-DNA position 3071, C replaced by G.
Protein change: p.Pro1024Arg; replaces proline 1024 with arginine.
Molecular consequence: missense variant. On other transcripts: intron variant (1).
Genome position (GRCh38, 1-based): chr1:240,207,883, C>G. VCF-style: chr1-240207883-C-G. GRCh37 (hg19) VCF-style: chr1-240371183-C-G.
Other names: c.3083C>G, p.Pro1028Arg (NM_001305424.2); c.1986+19621C>G (NM_001348094.2); short protein forms P1024R, P1028R.
Identifiers: ClinVar variation 4881587 (VCV004881587.2).